The following is an entry in ClinVar:

NM_001378454.1(ALMS1):c.5758G>A (p.Val1920Ile)

Gene: ALMS1 (ALMS1 centrosome and basal body associated protein; plus strand). Cytogenetic location: 2p13.1.
Variant type: single nucleotide variant.
Coding change: c.5758G>A on transcript NM_001378454.1 (MANE Select); coding-DNA position 5758, G replaced by A.
Protein change: p.Val1920Ile; replaces valine 1920 with isoleucine.
Molecular consequence: missense variant.
Genome position (GRCh38, 1-based): chr2:73,452,285, G>A. VCF-style: chr2-73452285-G-A. GRCh37 (hg19) VCF-style: chr2-73679412-G-A.
Other names: c.5761G>A, p.Val1921Ile (NM_015120.4); short protein forms V1921I, V1920I.
Identifiers: ClinVar variation 551133 (VCV000551133.5), dbSNP rs373489525, ClinGen allele CA50396991.

ClinVar aggregate classification (germline): Conflicting classifications of pathogenicity. Review status: criteria provided, conflicting classifications (1 of 4 stars). 4 submissions from 4 submitters: Uncertain significance (2); Likely benign (1). 1 of the submissions does not count toward it. Last evaluated 2026-05-26.

Conditions:
Cardiovascular phenotype. Identifiers: MedGen CN230736.
ALMS1-related disorder. Also called: ALMS1-related condition.
Alstrom syndrome (ALMS). Identifiers: Orphanet 64, MedGen C0268425, MONDO:0008763, OMIM 203800.

Allele frequency attached by ClinVar (database versions not stated): gnomAD exomes below 0.00001 and 0.00001; gnomAD 0.00001; TOPMed 0.00002; ESP Exome Variant Server 0.00008.
gnomAD v4.1: 9 of 1,613,924 alleles (0.00056%); highest among the groups gnomAD compares: Non-Finnish European, 0.00076%; no homozygotes.

Submissions (4):

PreventionGenetics, part of Exact Sciences
Classification: Uncertain significance for ALMS1-related condition. Last evaluated: 2026-05-26. Review status: criteria provided, single submitter. Criteria: ACMG Guidelines, 2015. Collection method: clinical testing. Allele origin: germline.
Comment: The ALMS1 c.5761G>A variant is predicted to result in the amino acid substitution p.Val1921Ile. To our knowledge, this variant has not been reported in the literature or in a large population database (gnomAD), indicating this variant is rare. At this time, the clinical significance of this variant is uncertain due to the absence of conclusive functional and genetic evidence.

GeneDx
Classification: Uncertain significance. Last evaluated: 2024-09-17. Review status: criteria provided, single submitter. Criteria: GeneDx Variant Classification Process June 2021. Collection method: clinical testing. Allele origin: germline. Affected: yes.
Comment: Not observed at significant frequency in large population cohorts (gnomAD); In silico analysis indicates that this missense variant does not alter protein structure/function; Has not been previously published as pathogenic or benign to our knowledge

Ambry Genetics
Classification: Likely benign for Cardiovascular phenotype. Last evaluated: 2023-11-27. Review status: criteria provided, single submitter. Criteria: Ambry Variant Classification Scheme 2023. Collection method: clinical testing. Allele origin: germline.

Counsyl
Classification: Uncertain significance for Alstrom syndrome. Last evaluated: 2017-03-16. Review status: no assertion criteria provided. Collection method: clinical testing. Allele origin: unknown. Not counted in ClinVar's aggregate classification.